The following is an entry in ClinVar:

NM_016239.4(MYO15A):c.3364_3365insTTCT (p.Gln1122fs)

Gene: MYO15A (myosin XVA; plus strand). Cytogenetic location: 17p11.2.
Variant type: Insertion.
Coding change: c.3364_3365insTTCT on transcript NM_016239.4 (MANE Select); coding-DNA positions 3364 to 3365, TTCT inserted.
Protein change: p.Gln1122fs; shifts the reading frame from glutamine 1122.
Molecular consequence: frameshift variant.
Genome position: GRCh38 VCF-style: chr17-18122164-C-CTTCT. GRCh37 (hg19) VCF-style: chr17-18025478-C-CTTCT.
Other names: short protein forms Q1122fs.
Identifiers: ClinVar variation 2792512 (VCV002792512.3), dbSNP rs2545193305, ClinGen allele CA2636442327.

ClinVar aggregate classification (germline): Pathogenic (1 of 4 stars; one submission).

Allele frequency attached by ClinVar (database versions not stated): gnomAD exomes below 0.00001.

Submission:

Labcorp Genetics (formerly Invitae), Labcorp
Classification: Pathogenic. Last evaluated: 2023-01-17. Review status: criteria provided, single submitter. Criteria: Invitae Variant Classification Sherloc (09022015). Collection method: clinical testing. Allele origin: germline.
Comment: For these reasons, this variant has been classified as Pathogenic. This variant has not been reported in the literature in individuals affected with MYO15A-related conditions. This variant is not present in population databases (gnomAD no frequency). This sequence change creates a premature translational stop signal (p.Gln1122Leufs*31) in the MYO15A gene. It is expected to result in an absent or disrupted protein product. Loss-of-function variants in MYO15A are known to be pathogenic (PMID: 17546645).

Literature cited by the submitters: PubMed 17546645.